The following is an entry in ClinVar:

ClinVar aggregate classification (germline): Uncertain significance (1 of 4 stars; one submission).

Conditions:
Inborn genetic diseases. Identifiers: MedGen C0950123, MeSH D030342.

Submission:

Ambry Genetics
Classification: Uncertain significance for Inborn genetic diseases. Last evaluated: 2025-07-09. Review status: criteria provided, single submitter. Criteria: Ambry Variant Classification Scheme 2023. Collection method: clinical testing. Allele origin: germline.
Comment: The p.E892G variant (also known as c.2675A>G), located in coding exon 12 of the BMPR2 gene, results from an A to G substitution at nucleotide position 2675. The glutamic acid at codon 892 is replaced by glycine, an amino acid with similar properties. This amino acid position is conserved. In addition, the in silico prediction for this alteration is inconclusive. Based on the available evidence, the clinical significance of this variant remains unclear.

NM_001204.7(BMPR2):c.2675A>G (p.Glu892Gly)

Gene: BMPR2 (bone morphogenetic protein receptor type 2; plus strand). Cytogenetic location: 2q33.2.
Variant type: single nucleotide variant.
Coding change: c.2675A>G on transcript NM_001204.7 (MANE Select); coding-DNA position 2675, A replaced by G.
Protein change: p.Glu892Gly; replaces glutamic acid 892 with glycine.
Molecular consequence: missense variant.
Genome position (GRCh38, 1-based): chr2:202,556,340, A>G. VCF-style: chr2-202556340-A-G. GRCh37 (hg19) VCF-style: chr2-203421063-A-G.
Other names: short protein forms E892G.
Identifiers: ClinVar variation 4214435 (VCV004214435.1).